The following is an entry in ClinVar:

ClinVar aggregate classification (germline): Uncertain significance (1 of 4 stars; one submission).

gnomAD v4.1: 3 of 1,613,756 alleles (0.00019%); highest among the groups gnomAD compares: Non-Finnish European, 0.00025%; no homozygotes.

Submission:

Labcorp Genetics (formerly Invitae), Labcorp
Classification: Uncertain significance. Last evaluated: 2025-12-09. Review status: criteria provided, single submitter. Criteria: Invitae Variant Classification Sherloc (09022015). Collection method: clinical testing. Allele origin: germline.
Comment: This sequence change replaces proline, which is neutral and non-polar, with threonine, which is neutral and polar, at codon 1520 of the COL11A1 protein (p.Pro1520Thr). The frequency data for this variant in the population databases is considered unreliable, as metrics indicate poor data quality at this position in the gnomAD database. This variant has not been reported in the literature in individuals affected with COL11A1-related conditions. Invitae Evidence Modeling of protein sequence and biophysical properties (such as structural, functional, and spatial information, amino acid conservation, physicochemical variation, residue mobility, and thermodynamic stability) indicates that this missense variant is not expected to disrupt COL11A1 protein function with a negative predictive value of 80%. In summary, the available evidence is currently insufficient to determine the role of this variant in disease. Therefore, it has been classified as a Variant of Uncertain Significance.

NM_001854.4(COL11A1):c.4558C>A (p.Pro1520Thr)

Gene: COL11A1 (collagen type XI alpha 1 chain; minus strand). Cytogenetic location: 1p21.1.
Variant type: single nucleotide variant.
Coding change: c.4558C>A on transcript NM_001854.4 (MANE Select); coding-DNA position 4558, C replaced by A.
Protein change: p.Pro1520Thr; replaces proline 1520 with threonine.
Molecular consequence: missense variant. On other transcripts: non-coding transcript variant (1).
Genome position (GRCh38, 1-based): chr1:102,888,627, G>T on the plus strand (C>A on the coding strand, the complement: COL11A1 is on the minus strand). VCF-style: chr1-102888627-G-T. GRCh37 (hg19) VCF-style: chr1-103354183-G-T.
Other names: c.4441C>A, p.Pro1481Thr (NM_001190709.2); c.4594C>A, p.Pro1532Thr (NM_080629.3); c.4210C>A, p.Pro1404Thr (NM_080630.4); short protein forms P1520T, P1532T, P1481T, P1404T.
Identifiers: ClinVar variation 4773218 (VCV004773218.1).
Genomic context (GRCh38, chr1:102,888,627, plus strand): 5'-ATATACTTACTGGAGACCCAGGAGGCCCTGGAAGACCACTGTCACCTTTCTGGCCAGCGG[G>T]TCCCTGTTAGAAAGAAGAGAGAGGACATAAATAAAGAAGAGGCAATTAAATAGGTTTCAA-3'
Protein context (NP_001845.3, residues 1510-1530): GPKGNKGSTG[Pro1520Thr]AGQKGDSGLP